The following is an entry in ClinVar:

NM_013266.4(CTNNA3):c.955T>C (p.Cys319Arg)

Gene: CTNNA3 (catenin alpha 3; minus strand). Cytogenetic location: 10q21.3.
Variant type: single nucleotide variant.
Coding change: c.955T>C on transcript NM_013266.4 (MANE Select); coding-DNA position 955, T replaced by C.
Protein change: p.Cys319Arg; replaces cysteine 319 with arginine.
Molecular consequence: missense variant.
Genome position (GRCh38, 1-based): chr10:67,180,409, A>G on the plus strand (T>C on the coding strand, the complement: CTNNA3 is on the minus strand). VCF-style: chr10-67180409-A-G. GRCh37 (hg19) VCF-style: chr10-68940167-A-G.
Other names: c.955T>C, p.Cys319Arg (NM_001127384.3); c.991T>C, p.Cys331Arg (NM_001291133.2); short protein forms C331R, C319R.
Identifiers: ClinVar variation 1767391 (VCV001767391.3), dbSNP rs761795009, ClinGen allele CA5520446.

ClinVar aggregate classification (germline): Uncertain significance (1 of 4 stars; one submission).

Allele frequency attached by ClinVar (database versions not stated): TOPMed below 0.00001; gnomAD exomes 0.00001; ExAC 0.00002.
gnomAD v4.1: 9 of 1,613,906 alleles (0.00056%); highest among the groups gnomAD compares: East Asian, 0.0022%; no homozygotes.

Submission:

Ambry Genetics
Classification: Uncertain significance. Last evaluated: 2025-03-02. Review status: criteria provided, single submitter. Criteria: Ambry Variant Classification Scheme 2023. Collection method: clinical testing. Allele origin: germline.
Comment: The p.C319R variant (also known as c.955T>C), located in coding exon 6 of the CTNNA3 gene, results from a T to C substitution at nucleotide position 955. The cysteine at codon 319 is replaced by arginine, an amino acid with highly dissimilar properties. This amino acid position is conserved. In addition, the in silico prediction for this alteration is inconclusive. Since supporting evidence is limited at this time, the clinical significance of this alteration remains unclear.